The following is an entry in ClinVar:

ClinVar aggregate classification (germline): Conflicting classifications of pathogenicity. Review status: criteria provided, conflicting classifications (1 of 4 stars). 5 submissions from 5 submitters: Uncertain significance (3); Likely benign (2). Last evaluated 2024-05-15.

Conditions:
Inborn genetic diseases. Identifiers: MedGen C0950123, MeSH D030342.
Coffin-Siris syndrome. Identifiers: Orphanet 1465, MedGen C0265338, MONDO:0015452.

Allele frequency attached by ClinVar (database versions not stated): TOPMed below 0.00001; gnomAD exomes 0.00001 and 0.00002; gnomAD 0.00002.
gnomAD v4.1: 29 of 1,613,908 alleles (0.0018%); highest among the groups gnomAD compares: East Asian, 0.0022%; no homozygotes.

Submissions (5):

Labcorp Genetics (formerly Invitae), Labcorp
Classification: Uncertain significance. Last evaluated: 2024-05-15. Review status: criteria provided, single submitter. Criteria: Invitae Variant Classification Sherloc (09022015). Collection method: clinical testing. Allele origin: germline.
Comment: This sequence change replaces proline, which is neutral and non-polar, with leucine, which is neutral and non-polar, at codon 1576 of the ARID1B protein (p.Pro1576Leu). This variant is present in population databases (no rsID available, gnomAD 0.005%). This missense change has been observed in individual(s) with clinical features of ARID1B-related conditions (PMID: 26376624). ClinVar contains an entry for this variant (Variation ID: 1303244). Advanced modeling of protein sequence and biophysical properties (such as structural, functional, and spatial information, amino acid conservation, physicochemical variation, residue mobility, and thermodynamic stability) has been performed at Invitae for this missense variant, however the output from this modeling did not meet the statistical confidence thresholds required to predict the impact of this variant on ARID1B protein function. In summary, the available evidence is currently insufficient to determine the role of this variant in disease. Therefore, it has been classified as a Variant of Uncertain Significance.

CeGaT Center for Human Genetics Tuebingen
Classification: Likely benign. Last evaluated: 2024-02-01. Review status: criteria provided, single submitter. Criteria: CeGaT Center For Human Genetics Tuebingen Variant Classification Criteria Version 2. Collection method: clinical testing. Allele origin: germline. Affected: yes. Observed: 1 variant allele.
Comment: ARID1B: BS2

Department of Pathology and Laboratory Medicine, Sinai Health System
Classification: Uncertain significance for Coffin-Siris syndrome. Last evaluated: 2023-02-16. Review status: criteria provided, single submitter. Criteria: ACMG Guidelines, 2015. Collection method: research. Allele origin: germline.

GeneDx
Classification: Uncertain significance. Last evaluated: 2021-04-26. Review status: criteria provided, single submitter. Criteria: GeneDx Variant Classification Process June 2021. Collection method: clinical testing. Allele origin: germline. Affected: yes.
Comment: Paternally inherited in a patient with partial hormone deficiency, however the father is noted to be unaffected (Yu et al., 2015); In silico analysis supports that this missense variant has a deleterious effect on protein structure/function; This variant is associated with the following publications: (PMID: 26376624)

Ambry Genetics
Classification: Likely benign for Inborn genetic diseases. Last evaluated: 2020-03-27. Review status: criteria provided, single submitter. Criteria: Ambry Variant Classification Scheme 2023. Collection method: clinical testing. Allele origin: germline.

Literature cited by the submitters: PubMed 26376624 (cited by Labcorp Genetics (formerly Invitae), Labcorp).

NM_001374828.1(ARID1B):c.5096C>T (p.Pro1699Leu)

Gene: ARID1B (AT-rich interaction domain 1B; plus strand). Cytogenetic location: 6q25.3.
Variant type: single nucleotide variant.
Coding change: c.5096C>T on transcript NM_001374828.1 (MANE Select); coding-DNA position 5096, C replaced by T.
Protein change: p.Pro1699Leu; replaces proline 1699 with leucine.
Molecular consequence: missense variant.
Genome position (GRCh38, 1-based): chr6:157,201,321, C>T. VCF-style: chr6-157201321-C-T. GRCh37 (hg19) VCF-style: chr6-157522455-C-T.
Other names: c.4727C>T (NM_020732.3); c.2597C>T, p.Pro866Leu (NM_001363725.2); c.4976C>T, p.Pro1659Leu (NM_001371656.1, NM_001374820.1); c.4937C>T, p.Pro1646Leu (NM_017519.3); short protein forms P1646L, P1659L, P1699L, P866L.
Identifiers: ClinVar variation 1303244 (VCV001303244.31), dbSNP rs1455506883, ClinGen allele CA366242523.